The following is an entry in ClinVar:

NM_005546.4(ITK):c.1043C>T (p.Thr348Ile)

Gene: ITK (IL2 inducible T cell kinase; plus strand). Cytogenetic location: 5q33.3.
Variant type: single nucleotide variant.
Coding change: c.1043C>T on transcript NM_005546.4 (MANE Select); coding-DNA position 1043, C replaced by T.
Protein change: p.Thr348Ile; replaces threonine 348 with isoleucine.
Molecular consequence: missense variant.
Genome position (GRCh38, 1-based): chr5:157,241,703, C>T. VCF-style: chr5-157241703-C-T. GRCh37 (hg19) VCF-style: chr5-156668713-C-T.
Other names: short protein forms T348I.
Identifiers: ClinVar variation 2278452 (VCV002278452.3), dbSNP rs1358243764, ClinGen allele CA361959034.

ClinVar aggregate classification (germline): Uncertain significance. Review status: criteria provided, multiple submitters, no conflicts (2 of 4 stars). 2 submissions from 2 submitters: Uncertain significance (2). Last evaluated 2022-12-07.

Conditions:
Inborn genetic diseases. Identifiers: MedGen C0950123, MeSH D030342.
Lymphoproliferative syndrome 1 (LPFS1). Identifiers: Orphanet 238505, Orphanet 538963, MedGen C3552634, MONDO:0013081, OMIM 613011.

Submissions (2):

Labcorp Genetics (formerly Invitae), Labcorp
Classification: Uncertain significance for Lymphoproliferative syndrome 1. Last evaluated: 2022-12-07. Review status: criteria provided, single submitter. Criteria: Invitae Variant Classification Sherloc (09022015). Collection method: clinical testing. Allele origin: germline.
Comment: In summary, the available evidence is currently insufficient to determine the role of this variant in disease. Therefore, it has been classified as a Variant of Uncertain Significance. Algorithms developed to predict the effect of sequence changes on RNA splicing suggest that this variant may disrupt the consensus splice site. Advanced modeling of protein sequence and biophysical properties (such as structural, functional, and spatial information, amino acid conservation, physicochemical variation, residue mobility, and thermodynamic stability) performed at Invitae indicates that this missense variant is not expected to disrupt ITK protein function. This variant has not been reported in the literature in individuals affected with ITK-related conditions. This variant is not present in population databases (gnomAD no frequency). This sequence change replaces threonine, which is neutral and polar, with isoleucine, which is neutral and non-polar, at codon 348 of the ITK protein (p.Thr348Ile).

Ambry Genetics
Classification: Uncertain significance for Inborn genetic diseases. Last evaluated: 2022-03-16. Review status: criteria provided, single submitter. Criteria: Ambry Variant Classification Scheme 2023. Collection method: clinical testing. Allele origin: germline.